The following is an entry in ClinVar:

NM_004815.4(ARHGAP29):c.1682-12A>G

Gene: ARHGAP29 (Rho GTPase activating protein 29; minus strand). Cytogenetic location: 1p22.1.
Variant type: single nucleotide variant.
Coding change: c.1682-12A>G on transcript NM_004815.4 (MANE Select); 12 bases into the intron before coding-DNA position 1682, A replaced by G.
Molecular consequence: intron variant.
Genome position (GRCh38, 1-based): chr1:94,186,609, T>C on the plus strand (A>G on the coding strand, the complement: ARHGAP29 is on the minus strand). VCF-style: chr1-94186609-T-C. GRCh37 (hg19) VCF-style: chr1-94652165-T-C.
Other names: c.1490-12A>G (NM_001328665.2, NM_001328667.2); c.1682-12A>G (NM_001328664.2); c.1655-12A>G (NM_001328666.2).
Identifiers: ClinVar variation 4888401 (VCV004888401.1).

ClinVar aggregate classification (germline): Likely pathogenic (1 of 4 stars; one submission).

Conditions:
Non-syndromic orofacial cleft.

gnomAD v4.1: 1 of 1,591,886 alleles (0.000063%); highest among the groups gnomAD compares: Non-Finnish European, 0.000086%; no homozygotes.

Submission:

New York Genome Center
Classification: Likely pathogenic for Non-syndromic orofacial cleft. Last evaluated: 2025-07-02. Review status: criteria provided, single submitter. Criteria: NYGC Assertion Criteria 2020. Collection method: clinical testing. Allele origin: inherited. Affected: yes. Observed: 1 variant allele, 1 heterozygote.
Comment: The inherited c.1682-12A>G variant identified in the ARHGAP29 gene is a variant at the -12 position within the splice acceptor region of exon16/23. This variant is found with low frequency in gnomADv4.1 (1 heterozygote, 0 homozygotes; allele frequency: 6.28e-7) and absent from All of Us database, suggesting it is not a common benign variant in the populations represented in those databases. This variant is absent from ClinVar and to our current knowledge has not been reported in affected individuals in the literature. In silico algorithm SpliceAI predicts this variant to lead to the gain of a splice acceptor -1bp from its nucleotide position (delta score: 0.99), which, if correct, is predicted to lead to a frameshift of the protein and loss of function via nonsense mediated decay. Transcriptome sequencing data from RNA extracted from a cultured amniotic fluid sample was analyzed at this region of the ARHGAP29 locus. This analysis indicated inclusion of 11bp of intron 15 sequence into the ARHGAP29 transcript r.1682ins[1682-1_1682-11], which is not present in internal controls. Utilization of this new splice site is expected to shift the wild-type translational reading frame and lead to loss of function via nonsense mediated decay or loss of downstream wildtype protein sequence. Given the available information and results of targeted analysis of ARHGAP29 transcripts via RNA sequencing, the inherited c.1682-12A>G variant identified in the ARHGAP29 gene is reported as Likely Pathogenic.